The following is an entry in ClinVar:

ClinVar aggregate classification (germline): Uncertain significance (1 of 4 stars; one submission).

Conditions:
Early-infantile DEE. Also called: Early infantile epileptic encephalopathy; Ohtahara syndrome; Early infantile epileptic encephalopathy with suppression bursts. Identifiers: Orphanet 1934, MedGen C0393706, MONDO:0800491.

Submission:

Labcorp Genetics (formerly Invitae), Labcorp
Classification: Uncertain significance for Early-infantile DEE. Last evaluated: 2024-08-06. Review status: criteria provided, single submitter. Criteria: Invitae Variant Classification Sherloc (09022015). Collection method: clinical testing. Allele origin: germline.
Comment: This sequence change replaces glycine, which is neutral and non-polar, with serine, which is neutral and polar, at codon 44 of the KCNQ2 protein (p.Gly44Ser). This variant is not present in population databases (gnomAD no frequency). This variant has not been reported in the literature in individuals affected with KCNQ2-related conditions. Advanced modeling of protein sequence and biophysical properties (such as structural, functional, and spatial information, amino acid conservation, physicochemical variation, residue mobility, and thermodynamic stability) performed at Invitae indicates that this missense variant is expected to disrupt KCNQ2 protein function with a positive predictive value of 95%. In summary, the available evidence is currently insufficient to determine the role of this variant in disease. Therefore, it has been classified as a Variant of Uncertain Significance.

NM_172107.4(KCNQ2):c.130G>A (p.Gly44Ser)

Gene: KCNQ2 (potassium voltage-gated channel subfamily Q member 2; minus strand). Cytogenetic location: 20q13.33.
Variant type: single nucleotide variant.
Coding change: c.130G>A on transcript NM_172107.4 (MANE Select); coding-DNA position 130, G replaced by A.
Protein change: p.Gly44Ser; replaces glycine 44 with serine.
Molecular consequence: missense variant.
Genome position (GRCh38, 1-based): chr20:63,472,334, C>T on the plus strand (G>A on the coding strand, the complement: KCNQ2 is on the minus strand). VCF-style: chr20-63472334-C-T. GRCh37 (hg19) VCF-style: chr20-62103687-C-T.
Other names: c.130G>A, p.Gly44Ser (NM_001382235.1, NM_004518.6, NM_172106.3 and 2 more transcripts); short protein forms G44S.
Identifiers: ClinVar variation 3637744 (VCV003637744.2).